The following is an entry in ClinVar:

ClinVar aggregate classification (germline): Uncertain significance (1 of 4 stars; one submission).

Conditions:
DICER1-related tumor predisposition. Also called: DICER1 syndrome; DICER1-related pleuropulmonary blastoma cancer predisposition syndrome. Identifiers: Orphanet 284343, MedGen C3839822, MONDO:0100216.

Submission:

Labcorp Genetics (formerly Invitae), Labcorp
Classification: Uncertain significance for DICER1-related tumor predisposition. Last evaluated: 2022-12-06. Review status: criteria provided, single submitter. Criteria: Invitae Variant Classification Sherloc (09022015). Collection method: clinical testing. Allele origin: germline.
Comment: In summary, the available evidence is currently insufficient to determine the role of this variant in disease. Therefore, it has been classified as a Variant of Uncertain Significance. Advanced modeling of protein sequence and biophysical properties (such as structural, functional, and spatial information, amino acid conservation, physicochemical variation, residue mobility, and thermodynamic stability) performed at Invitae indicates that this missense variant is expected to disrupt DICER1 protein function. ClinVar contains an entry for this variant (Variation ID: 242077). This variant has not been reported in the literature in individuals affected with DICER1-related conditions. This variant is not present in population databases (gnomAD no frequency). This sequence change replaces alanine, which is neutral and non-polar, with proline, which is neutral and non-polar, at codon 1045 of the DICER1 protein (p.Ala1045Pro).

NM_177438.3(DICER1):c.3133G>C (p.Ala1045Pro)

Gene: DICER1 (dicer 1, ribonuclease III; minus strand). Cytogenetic location: 14q32.13.
Variant type: single nucleotide variant.
Coding change: c.3133G>C on transcript NM_177438.3 (MANE Select); coding-DNA position 3133, G replaced by C.
Protein change: p.Ala1045Pro; replaces alanine 1045 with proline.
Molecular consequence: missense variant.
Genome position (GRCh38, 1-based): chr14:95,105,207, C>G on the plus strand (G>C on the coding strand, the complement: DICER1 is on the minus strand). VCF-style: chr14-95105207-C-G. GRCh37 (hg19) VCF-style: chr14-95571544-C-G.
Other names: c.3133G>C, p.Ala1045Pro (NM_001195573.1, NM_001271282.3, NM_001291628.2 and 1 more transcripts); short protein forms A1045P.
Identifiers: ClinVar variation 242077 (VCV000242077.10), dbSNP rs878855255, ClinGen allele CA10583206.